The following is an entry in ClinVar:

NM_005257.6(GATA6):c.531A>T (p.Ala177=)

Gene: GATA6 (GATA binding protein 6; plus strand). Cytogenetic location: 18q11.2.
Variant type: single nucleotide variant.
Coding change: c.531A>T on transcript NM_005257.6 (MANE Select); coding-DNA position 531, A replaced by T.
Protein change: p.Ala177=; no amino-acid change (alanine 177 retained).
Molecular consequence: synonymous variant.
Genome position (GRCh38, 1-based): chr18:22,171,675, A>T. VCF-style: chr18-22171675-A-T. GRCh37 (hg19) VCF-style: chr18-19751636-A-T.
Identifiers: ClinVar variation 5039026 (VCV005039026.1).

ClinVar aggregate classification (germline): Likely benign (1 of 4 stars; one submission).

Submission:

CeGaT Center for Human Genetics Tuebingen
Classification: Likely benign. Last evaluated: 2026-08-01. Review status: criteria provided, single submitter. Criteria: CeGaT Center For Human Genetics Tuebingen Variant Classification Criteria Version 2. Collection method: clinical testing. Allele origin: germline. Affected: yes. Observed: 1 variant allele.
Comment: GATA6: PM2:Supporting, BP4, BP7